The following is an entry in ClinVar:

ClinVar aggregate classification (germline): Uncertain significance (1 of 4 stars; one submission).

Conditions:
Cystic fibrosis (CF). Also called: MUCOVISCIDOSIS. Identifiers: Orphanet 586, MedGen C0010674, MONDO:0009061, OMIM 219700. Disease mechanism: loss of function.

Submission:

Ambry Genetics
Classification: Uncertain significance for Cystic fibrosis. Last evaluated: 2026-04-20. Review status: criteria provided, single submitter. Criteria: Ambry Variant Classification Scheme 2023. Collection method: clinical testing. Allele origin: germline.
Comment: The p.N706I variant (also known as c.2117A>T), located in coding exon 14 of the CFTR gene, results from an A to T substitution at nucleotide position 2117. The asparagine at codon 706 is replaced by isoleucine, an amino acid with dissimilar properties. This amino acid position is conserved. In addition, the in silico prediction for this alteration is inconclusive. Based on the available evidence, the clinical significance of this variant remains unclear.

NM_000492.4(CFTR):c.2117A>T (p.Asn706Ile)

Gene: CFTR (CF transmembrane conductance regulator; plus strand). Cytogenetic location: 7q31.2.
Variant type: single nucleotide variant.
Coding change: c.2117A>T on transcript NM_000492.4 (MANE Select); coding-DNA position 2117, A replaced by T.
Protein change: p.Asn706Ile; replaces asparagine 706 with isoleucine.
Molecular consequence: missense variant.
Genome position (GRCh38, 1-based): chr7:117,592,284, A>T. VCF-style: chr7-117592284-A-T. GRCh37 (hg19) VCF-style: chr7-117232338-A-T.
Other names: short protein forms N706I.
Identifiers: ClinVar variation 4868839 (VCV004868839.1).